The following is an entry in ClinVar:

ClinVar aggregate classification (germline): Uncertain significance (1 of 4 stars; one submission).

Submission:

GeneDx
Classification: Uncertain significance. Last evaluated: 2022-12-01. Review status: criteria provided, single submitter. Criteria: GeneDx Variant Classification Process June 2021. Collection method: clinical testing. Allele origin: germline. Affected: yes.
Comment: Not observed at significant frequency in large population cohorts (gnomAD); In silico analysis supports that this missense variant has a deleterious effect on protein structure/function; Has not been previously published as pathogenic or benign to our knowledge

NM_007126.5(VCP):c.146T>C (p.Leu49Ser)

Gene: VCP (valosin containing protein; minus strand). Cytogenetic location: 9p13.3.
Variant type: single nucleotide variant.
Coding change: c.146T>C on transcript NM_007126.5 (MANE Select); coding-DNA position 146, T replaced by C.
Protein change: p.Leu49Ser; replaces leucine 49 with serine.
Molecular consequence: missense variant.
Genome position (GRCh38, 1-based): chr9:35,068,047, A>G on the plus strand (T>C on the coding strand, the complement: VCP is on the minus strand). VCF-style: chr9-35068047-A-G. GRCh37 (hg19) VCF-style: chr9-35068044-A-G.
Other names: c.11T>C, p.Leu4Ser (NM_001354927.2, NM_001354928.2); short protein forms L49S, L4S.
Identifiers: ClinVar variation 2504538 (VCV002504538.1), dbSNP rs2490373969, ClinGen allele CA373294519.